The following is an entry in ClinVar:

ClinVar aggregate classification (germline): Uncertain significance. Review status: criteria provided, multiple submitters, no conflicts (2 of 4 stars). 3 submissions from 3 submitters: Uncertain significance (3). Last evaluated 2025-12-16.

Conditions:
Familial adenomatous polyposis 1 (FAP1). Also called: POLYPOSIS, ADENOMATOUS INTESTINAL; FAMILIAL ADENOMATOUS POLYPOSIS 1, ATTENUATED. Identifiers: MedGen C2713442, MONDO:0021056, OMIM 175100. Disease mechanism: loss of function.
Hereditary cancer-predisposing syndrome. Also called: Hereditary Cancer Syndrome; Tumor predisposition; Hereditary neoplastic syndrome; Neoplastic Syndromes, Hereditary. Identifiers: Orphanet 140162, MedGen C0027672, MeSH D009386, MONDO:0015356.

Submissions (3):

Color Diagnostics, LLC DBA Color Health
Classification: Uncertain significance for Hereditary cancer-predisposing syndrome. Last evaluated: 2025-12-16. Review status: criteria provided, single submitter. Criteria: ACMG Guidelines, 2015. Collection method: clinical testing. Allele origin: germline.
Comment: This missense variant replaces alanine with valine at codon 2638 of the APC protein. Computational prediction suggests that this variant may not impact protein structure and function. APC is defined as a gene for which primarily truncating variants are known to cause disease (ClinGen HCCP VCEP). To our knowledge, functional studies have not been reported for this variant. This variant has not been reported in individuals affected with APC-related disorders in the literature. This variant has not been identified in the general population by the Genome Aggregation Database (gnomAD). The available evidence is insufficient to determine the role of this variant in disease conclusively. Therefore, this variant is classified as a Variant of Uncertain Significance.

Ambry Genetics
Classification: Uncertain significance for Hereditary cancer-predisposing syndrome. Last evaluated: 2023-01-06. Review status: criteria provided, single submitter. Criteria: Ambry Variant Classification Scheme 2023. Collection method: clinical testing. Allele origin: germline.
Comment: The p.A2638V variant (also known as c.7913C>T), located in coding exon 15 of the APC gene, results from a C to T substitution at nucleotide position 7913. The alanine at codon 2638 is replaced by valine, an amino acid with similar properties. This amino acid position is conserved. In addition, in silico predictors for this gene do not accurately predict pathogenicity. Since supporting evidence is limited at this time, the clinical significance of this alteration remains unclear.

Labcorp Genetics (formerly Invitae), Labcorp
Classification: Uncertain significance for Familial adenomatous polyposis 1. Last evaluated: 2021-09-23. Review status: criteria provided, single submitter. Criteria: Invitae Variant Classification Sherloc (09022015). Collection method: clinical testing. Allele origin: germline.
Comment: This sequence change replaces alanine with valine at codon 2638 of the APC protein (p.Ala2638Val). The alanine residue is moderately conserved and there is a small physicochemical difference between alanine and valine. This variant is not present in population databases (ExAC no frequency). This variant has not been reported in the literature in individuals affected with APC-related conditions. Algorithms developed to predict the effect of missense changes on protein structure and function (SIFT, PolyPhen-2, Align-GVGD) all suggest that this variant is likely to be tolerated. In summary, the available evidence is currently insufficient to determine the role of this variant in disease. Therefore, it has been classified as a Variant of Uncertain Significance.

NM_000038.6(APC):c.7913C>T (p.Ala2638Val)

Gene: APC (APC regulator of Wnt signaling pathway; plus strand). Cytogenetic location: 5q22.2.
Variant type: single nucleotide variant.
Coding change: c.7913C>T on transcript NM_000038.6 (MANE Select); coding-DNA position 7913, C replaced by T.
Protein change: p.Ala2638Val; replaces alanine 2638 with valine.
Molecular consequence: missense variant.
Genome position (GRCh38, 1-based): chr5:112,843,507, C>T. VCF-style: chr5-112843507-C-T. GRCh37 (hg19) VCF-style: chr5-112179204-C-T.
Other names: c.7913C>T (NM_000038.5); c.7913C>T, p.Ala2638Val (NM_001127510.3, NM_001354895.2); c.7859C>T, p.Ala2620Val (NM_001127511.3); c.7967C>T, p.Ala2656Val (NM_001354896.2); c.7943C>T, p.Ala2648Val (NM_001354897.2); c.7838C>T, p.Ala2613Val (NM_001354898.2); c.7829C>T, p.Ala2610Val (NM_001354899.2); c.7790C>T, p.Ala2597Val (NM_001354900.2); and 6 more; short protein forms A2512V, A2537V, A2597V, A2613V, A2478V, A2547V, A2579V, A2620V.
Identifiers: ClinVar variation 1417550 (VCV001417550.8), dbSNP rs2149996098, ClinGen allele CA16038518.